The following is an entry in ClinVar:

NM_000257.4(MYH7):c.5537G>A (p.Arg1846His)

Gene: MYH7 (myosin heavy chain 7; minus strand). Cytogenetic location: 14q11.2.
Variant type: single nucleotide variant.
Coding change: c.5537G>A on transcript NM_000257.4 (MANE Select); coding-DNA position 5537, G replaced by A.
Protein change: p.Arg1846His; replaces arginine 1846 with histidine.
Molecular consequence: missense variant.
Genome position (GRCh38, 1-based): chr14:23,415,017, C>T on the plus strand (G>A on the coding strand, the complement: MYH7 is on the minus strand). VCF-style: chr14-23415017-C-T. GRCh37 (hg19) VCF-style: chr14-23884226-C-T.
Other names: c.5537G>A (LRG_384t1); short protein forms R1846H.
Identifiers: ClinVar variation 372587 (VCV000372587.25), dbSNP rs757803046, ClinGen allele CA047162.

ClinVar aggregate classification (germline): Conflicting classifications of pathogenicity. Review status: criteria provided, conflicting classifications (1 of 4 stars). 8 submissions from 8 submitters: Likely pathogenic (1); Uncertain significance (6). 1 of the submissions does not count toward it. Last evaluated 2025-09-30.

Conditions:
MYH7-related disorder. Also called: MYH7-related disorders; MYH7-related condition; MYH7-related disease.
Cardiovascular phenotype. Identifiers: MedGen CN230736.
Cardiomyopathy (CMYO). Also called: Cardiomyopathies. Identifiers: Orphanet 167848, MedGen C0878544, MONDO:0004994, HP:0001638. Inheritance: Various modes of inheritance.
Hypertrophic cardiomyopathy. Also called: HYPERTROPHIC MYOCARDIOPATHY. Identifiers: Orphanet 217569, MedGen C0007194, MeSH D002312, MONDO:0005045, HP:0001639.

Allele frequency attached by ClinVar (database versions not stated): ExAC 0.00001; gnomAD 0.00002 and 0.00003; gnomAD exomes 0.00003; TOPMed 0.00003.
gnomAD v4.1: 38 of 1,609,188 alleles (0.0024%); highest among the groups gnomAD compares: Non-Finnish European, 0.0031%; no homozygotes.

Submissions (8):

Labcorp Genetics (formerly Invitae), Labcorp
Classification: Likely pathogenic for Hypertrophic cardiomyopathy. Last evaluated: 2025-09-30. Review status: criteria provided, single submitter. Criteria: Invitae Variant Classification Sherloc (09022015). Collection method: clinical testing. Allele origin: germline.
Comment: This sequence change replaces arginine, which is basic and polar, with histidine, which is basic and polar, at codon 1846 of the MYH7 protein (p.Arg1846His). This variant is present in population databases (rs757803046, gnomAD 0.005%). This missense change has been observed in individuals with autosomal dominant MYH7-related conditions (PMID: 29997562, 38757491; internal data). ClinVar contains an entry for this variant (Variation ID: 372587). Invitae Evidence Modeling of protein sequence and biophysical properties (such as structural, functional, and spatial information, amino acid conservation, physicochemical variation, residue mobility, and thermodynamic stability) indicates that this missense variant is expected to disrupt MYH7 protein function with a positive predictive value of 95%. In summary, the currently available evidence indicates that the variant is pathogenic, but additional data are needed to prove that conclusively. Therefore, this variant has been classified as Likely Pathogenic.

Ambry Genetics
Classification: Uncertain significance for Cardiovascular phenotype. Last evaluated: 2025-08-15. Review status: criteria provided, single submitter. Criteria: Ambry Variant Classification Scheme 2023. Collection method: clinical testing. Allele origin: germline.
Comment: The p.R1846H variant (also known as c.5537G>A), located in coding exon 35 of the MYH7 gene, results from a G to A substitution at nucleotide position 5537. The arginine at codon 1846 is replaced by histidine, an amino acid with highly similar properties. This alteration has been previously reported in a distal myopathy cohort, but clinical details were limited (Bugiardini E et al. Front Neurol. 2018;9:456). This alteration has also been reported in an exome cohort (Park J et al. Hum Mol Genet, 2022 Mar;31:827-837). This amino acid position is highly conserved in available vertebrate species. In addition, this alteration is predicted to be deleterious by in silico analysis. Since supporting evidence is limited at this time, the clinical significance of this alteration remains unclear

All of Us Research Program, National Institutes of Health
Classification: Uncertain significance for Cardiomyopathy. Last evaluated: 2024-07-20. Review status: criteria provided, single submitter. Criteria: ACMG Guidelines, 2015. Collection method: clinical testing. Allele origin: germline. Inheritance: Autosomal dominant inheritance. Observed: 1 variant allele, 1 heterozygote.
Comment: This missense variant replaces arginine with histidine at codon 1846 of the MYH7 protein. Computational prediction tools indicate that this variant has a deleterious impact on protein structure and function. To our knowledge, functional studies have not been reported for this variant. This variant has been reported in an individual affected with hypertrophic cardiomyopathy (PMID: 38757491) and in an individual affected with distal myopathy (PMID: 29997562). This variant has been identified in 8/248118 chromosomes in the general population by the Genome Aggregation Database (gnomAD). The available evidence is insufficient to determine the role of this variant in disease conclusively. Therefore, this variant is classified as a Variant of Uncertain Significance.

This study involves interpretation of variants in research participants for the purpose of population health screening. Participant phenotype was not available at the time of variant classification. Additional details can be found in publication PMID: 35346344, PMCID: PMC8962531

Color Diagnostics, LLC DBA Color Health
Classification: Uncertain significance for Cardiomyopathy. Last evaluated: 2024-07-03. Review status: criteria provided, single submitter. Criteria: ACMG Guidelines, 2015. Collection method: clinical testing. Allele origin: germline.
Comment: This missense variant replaces arginine with histidine at codon 1846 of the MYH7 protein. Computational prediction tools indicate that this variant has a deleterious impact on protein structure and function. To our knowledge, functional studies have not been reported for this variant. This variant has been reported in an individual affected with hypertrophic cardiomyopathy (PMID: 38757491) and in an individual affected with distal myopathy (PMID: 29997562). This variant has been identified in 8/248118 chromosomes in the general population by the Genome Aggregation Database (gnomAD). The available evidence is insufficient to determine the role of this variant in disease conclusively. Therefore, this variant is classified as a Variant of Uncertain Significance.

Women's Health and Genetics/Laboratory Corporation of America, LabCorp
Classification: Uncertain significance. Last evaluated: 2020-08-03. Review status: criteria provided, single submitter. Criteria: LabCorp Variant Classification Summary - May 2015. Collection method: clinical testing. Allele origin: germline.
Comment: Variant summary: MYH7 c.5537G>A (p.Arg1846His) results in a non-conservative amino acid change located in the Myosin tail domain of the encoded protein sequence. Five of five in-silico tools predict a damaging effect of the variant on protein function. The variant allele was found at a frequency of 3.2e-05 in 248118 control chromosomes. The available data on variant occurrences in the general population are insufficient to allow any conclusion about variant significance. c.5537G>A has been reported in the literature in at least one individual affected with Cardiomyopathy (Bugiardini_2018). This report does not provide unequivocal conclusions about association of the variant with Cardiomyopathy. To our knowledge, no experimental evidence demonstrating an impact on protein function has been reported. Four clinical diagnostic laboratories have submitted clinical-significance assessments for this variant to ClinVar after 2014 without evidence for independent evaluation. All laboratories classified the variant as uncertain significance. Based on the evidence outlined above, the variant was classified as uncertain significance.

CHEO Genetics Diagnostic Laboratory, Children's Hospital of Eastern Ontario
Classification: Uncertain significance for Cardiomyopathy. Last evaluated: 2017-08-09. Review status: criteria provided, single submitter. Criteria: ACMG Guidelines, 2015. Collection method: clinical testing. Allele origin: germline. Study: Canadian Open Genetics Repository.

GeneDx
Classification: Uncertain significance. Last evaluated: 2016-12-02. Review status: criteria provided, single submitter. Criteria: GeneDx Variant Classification (06012015). Collection method: clinical testing. Allele origin: germline. Affected: yes.
Comment: The R1846H variant of uncertain significance in the MYH7 gene has not been published as a pathogenic or benign variant to our knowledge. R1846H was not observed with any significant frequency in the Exome Aggregation Consortium or in approximately 6,500 individuals of European and African American ancestry in the NHLBI Exome Sequencing Project, indicating it is not a common benign variant in these populations. This substitution occurs at a position that is conserved across species, and in silico analysis predicts R1846 is probably damaging to the protein structure/function. Nevertheless, the R1846 variant is a conservative amino acid substitution, which is may not impact secondary protein structure as these residues share similar properties. Therefore, based on the currently available information, it is unclear whether this variant is pathogenic or rare benign

PreventionGenetics, part of Exact Sciences
Classification: Uncertain significance for MYH7-related condition. Last evaluated: 2024-08-12. Review status: no assertion criteria provided. Collection method: clinical testing. Allele origin: germline. Not counted in ClinVar's aggregate classification.
Comment: The MYH7 c.5537G>A variant is predicted to result in the amino acid substitution p.Arg1846His. This variant was reported in an unaffected individual who was part of a hypertrophic cardiomyopathy study (Table S6. Park et al. 2022. PubMed ID: 34542152) and also in an individual with distal myopathy (Table 1. Bugiardini et al. 2018. PubMed ID: 29997562). This variant is reported in 0.0062% of alleles in individuals of European (Non-Finnish) descent in gnomAD. At this time, the clinical significance of this variant is uncertain due to the absence of conclusive functional and genetic evidence.

Literature cited by the submitters: PubMed 29997562 (cited by 5 submitters); PubMed 38757491 (cited by 3 submitters); PubMed 34542152 (cited by Ambry Genetics).